The following is an entry in ClinVar:

ClinVar aggregate classification (germline): Uncertain significance (1 of 4 stars; one submission).

Conditions:
Megalencephaly-polymicrogyria-postaxial polydactyly-hydrocephalus syndrome. Also called: MPPH Syndrome; MEG-PMG-MEGACC SYNDROME. Identifiers: Orphanet 83473, MedGen C1863924, MONDO:0019375.

Allele frequency attached by ClinVar (database versions not stated): gnomAD 0.00001.
gnomAD v4.1: 1 of 1,613,952 alleles (0.000062%); highest among the groups gnomAD compares: Admixed American, 0.0017%; no homozygotes.

Submission:

Labcorp Genetics (formerly Invitae), Labcorp
Classification: Uncertain significance for Megalencephaly-polymicrogyria-postaxial polydactyly-hydrocephalus syndrome. Last evaluated: 2023-11-27. Review status: criteria provided, single submitter. Criteria: Invitae Variant Classification Sherloc (09022015). Collection method: clinical testing. Allele origin: germline.
Comment: This sequence change replaces tyrosine, which is neutral and polar, with histidine, which is basic and polar, at codon 505 of the PIK3R2 protein (p.Tyr505His). This variant is not present in population databases (gnomAD no frequency). This variant has not been reported in the literature in individuals affected with PIK3R2-related conditions. ClinVar contains an entry for this variant (Variation ID: 1399100). Advanced modeling of protein sequence and biophysical properties (such as structural, functional, and spatial information, amino acid conservation, physicochemical variation, residue mobility, and thermodynamic stability) performed at Invitae indicates that this missense variant is not expected to disrupt PIK3R2 protein function with a negative predictive value of 80%. In summary, the available evidence is currently insufficient to determine the role of this variant in disease. Therefore, it has been classified as a Variant of Uncertain Significance.

NM_005027.4(PIK3R2):c.1513T>C (p.Tyr505His)

Gene: PIK3R2 (phosphoinositide-3-kinase regulatory subunit 2; plus strand). Cytogenetic location: 19p13.11.
Variant type: single nucleotide variant.
Coding change: c.1513T>C on transcript NM_005027.4 (MANE Select); coding-DNA position 1513, T replaced by C.
Protein change: p.Tyr505His; replaces tyrosine 505 with histidine.
Molecular consequence: missense variant. On other transcripts: non-coding transcript variant (2).
Genome position (GRCh38, 1-based): chr19:18,166,256, T>C. VCF-style: chr19-18166256-T-C. GRCh37 (hg19) VCF-style: chr19-18277066-T-C.
Other names: short protein forms Y505H.
Identifiers: ClinVar variation 1399100 (VCV001399100.6), dbSNP rs2043808995, ClinGen allele CA404812455.